The following is an entry in ClinVar:

ClinVar aggregate classification (germline): Uncertain significance (1 of 4 stars; one submission).

Conditions:
ALG12-congenital disorder of glycosylation (CDG1G). Also called: ALG12-CDG; Congenital disorder of glycosylation, type Ig; CDG Ig. Identifiers: Orphanet 79324, MedGen C2931001, MONDO:0011783, OMIM 607143.

gnomAD v4.1: 1 of 1,614,078 alleles (0.000062%); highest among the groups gnomAD compares: African/African-American, 0.0013%; no homozygotes.

Submission:

Labcorp Genetics (formerly Invitae), Labcorp
Classification: Uncertain significance for ALG12-congenital disorder of glycosylation. Last evaluated: 2025-07-14. Review status: criteria provided, single submitter. Criteria: Invitae Variant Classification Sherloc (09022015). Collection method: clinical testing. Allele origin: germline.
Comment: This sequence change replaces valine, which is neutral and non-polar, with leucine, which is neutral and non-polar, at codon 395 of the ALG12 protein (p.Val395Leu). This variant is not present in population databases (gnomAD no frequency). This variant has not been reported in the literature in individuals affected with ALG12-related conditions. ClinVar contains an entry for this variant (Variation ID: 2871879). Invitae Evidence Modeling of protein sequence and biophysical properties (such as structural, functional, and spatial information, amino acid conservation, physicochemical variation, residue mobility, and thermodynamic stability) has been performed for this missense variant. However, the output from this modeling did not meet the statistical confidence thresholds required to predict the impact of this variant on ALG12 protein function. In summary, the available evidence is currently insufficient to determine the role of this variant in disease. Therefore, it has been classified as a Variant of Uncertain Significance.

NM_024105.4(ALG12):c.1183G>C (p.Val395Leu)

Gene: ALG12 (ALG12 alpha-1,6-mannosyltransferase; minus strand). Cytogenetic location: 22q13.33.
Variant type: single nucleotide variant.
Coding change: c.1183G>C on transcript NM_024105.4 (MANE Select); coding-DNA position 1183, G replaced by C.
Protein change: p.Val395Leu; replaces valine 395 with leucine.
Molecular consequence: missense variant.
Genome position (GRCh38, 1-based): chr22:49,904,234, C>G on the plus strand (G>C on the coding strand, the complement: ALG12 is on the minus strand). VCF-style: chr22-49904234-C-G. GRCh37 (hg19) VCF-style: chr22-50297882-C-G.
Other names: short protein forms V395L.
Identifiers: ClinVar variation 2871879 (VCV002871879.3), dbSNP rs759024738, ClinGen allele CA412072100.